The following is an entry in ClinVar:

NM_001887.4(CRYBB1):c.432+112C>A

Genes: CRYBA4 (crystallin beta A4; plus strand), CRYBB1 (crystallin beta B1; minus strand). Cytogenetic location: 22q12.1.
Variant type: single nucleotide variant.
Coding change: c.432+112C>A on transcript NM_001887.4 (MANE Select); 112 bases into the intron after coding-DNA position 432, C replaced by A.
Molecular consequence: intron variant.
Genome position (GRCh38, 1-based): chr22:26,607,777, G>T on the plus strand (C>A on the coding strand, the complement: CRYBB1 is on the minus strand). VCF-style: chr22-26607777-G-T. GRCh37 (hg19) VCF-style: chr22-27003741-G-T.
Identifiers: ClinVar variation 1707235 (VCV001707235.2), dbSNP rs188122473, ClinGen allele CA322863406.

ClinVar aggregate classification (germline): Likely benign (1 of 4 stars; one submission).

Allele frequency attached by ClinVar (database versions not stated): gnomAD exomes 0.00037; 1000 Genomes Project 0.00300; 1000 Genomes Project 30x 0.00312; gnomAD 0.00322; TOPMed 0.00370.
gnomAD v4.1: 984 of 1,453,432 alleles (0.068%); highest among the groups gnomAD compares: African/African-American, 1.1%; 4 homozygotes.

Submission:

GeneDx
Classification: Likely benign. Last evaluated: 2020-05-10. Review status: criteria provided, single submitter. Criteria: GeneDx Variant Classification Process June 2021. Collection method: clinical testing. Allele origin: germline. Affected: yes.
Comment: See Variant Classification Assertion Criteria.